The following is an entry in ClinVar:

ClinVar aggregate classification (germline): Likely benign (1 of 4 stars; one submission).

Conditions:
WDFY3-related disorder.

gnomAD v4.1: 101 of 1,613,952 alleles (0.0063%); highest among the groups gnomAD compares: Admixed American, 0.033%; no homozygotes.

Submission:

PreventionGenetics, part of Exact Sciences
Classification: Likely benign for WDFY3-related condition. Last evaluated: 2025-10-03. Review status: criteria provided, single submitter. Criteria: ACMG Guidelines, 2015. Collection method: clinical testing. Allele origin: germline.
Comment: This variant is classified as likely benign based on ACMG/AMP sequence variant interpretation guidelines (Richards et al. 2015 PMID: 25741868, with internal and published modifications).

NM_014991.6(WDFY3):c.7347C>T (p.Pro2449=)

Gene: WDFY3 (WD repeat and FYVE domain containing 3; minus strand). Cytogenetic location: 4q21.23.
Variant type: single nucleotide variant.
Coding change: c.7347C>T on transcript NM_014991.6 (MANE Select); coding-DNA position 7347, C replaced by T.
Protein change: p.Pro2449=; no amino-acid change (proline 2449 retained).
Molecular consequence: synonymous variant.
Genome position (GRCh38, 1-based): chr4:84,724,520, G>A on the plus strand (C>T on the coding strand, the complement: WDFY3 is on the minus strand). VCF-style: chr4-84724520-G-A. GRCh37 (hg19) VCF-style: chr4-85645673-G-A.
Identifiers: ClinVar variation 4977044 (VCV004977044.1).
Genomic context (GRCh38, chr4:84,724,520, plus strand): 5'-TGGTTCTTGCTGAGCAGCTTCACCTTCTGAACTCTCCACAATGGCGTCTTGGACAATGGC[G>A]GGATTGCCAGAGGCCAGTCGCATGTAGTACTCTTTACTGTCATAACTTACGGCTCTTCTA-3'
Protein context (NP_055806.2, residues 2439-2459): EYYMRLASGN[Pro2449=]AIVQDAIVES